The following is an entry in ClinVar:

NM_006031.6(PCNT):c.2695C>T (p.Arg899Cys)

Gene: PCNT (pericentrin; plus strand). Cytogenetic location: 21q22.3.
Variant type: single nucleotide variant.
Coding change: c.2695C>T on transcript NM_006031.6 (MANE Select); coding-DNA position 2695, C replaced by T.
Protein change: p.Arg899Cys; replaces arginine 899 with cysteine.
Molecular consequence: missense variant.
Genome position (GRCh38, 1-based): chr21:46,366,669, C>T. VCF-style: chr21-46366669-C-T. GRCh37 (hg19) VCF-style: chr21-47786584-C-T.
Other names: c.2341C>T, p.Arg781Cys (NM_001315529.2); c.2695C>T (NM_006031.5); short protein forms R781C, R899C.
Identifiers: ClinVar variation 2186047 (VCV002186047.2), dbSNP rs757715830, ClinGen allele CA322005473.

ClinVar aggregate classification (germline): Uncertain significance. Review status: criteria provided, single submitter (1 of 4 stars). 2 submissions from 2 submitters: Uncertain significance (1). 1 of the submissions does not count toward it. Last evaluated 2021-12-29.

Conditions:
PCNT-related disorder. Also called: PCNT-related condition.

Allele frequency attached by ClinVar (database versions not stated): gnomAD 0.00001; gnomAD exomes 0.00001; TOPMed 0.00001.
gnomAD v4.1: 10 of 1,613,722 alleles (0.00062%); highest among the groups gnomAD compares: East Asian, 0.0022%; no homozygotes.

Submissions (2):

Labcorp Genetics (formerly Invitae), Labcorp
Classification: Uncertain significance. Last evaluated: 2021-12-29. Review status: criteria provided, single submitter. Criteria: Invitae Variant Classification Sherloc (09022015). Collection method: clinical testing. Allele origin: germline.
Comment: This sequence change replaces arginine, which is basic and polar, with cysteine, which is neutral and slightly polar, at codon 899 of the PCNT protein (p.Arg899Cys). This variant is not present in population databases (gnomAD no frequency). This variant has not been reported in the literature in individuals affected with PCNT-related conditions. Algorithms developed to predict the effect of missense changes on protein structure and function output the following: SIFT: "Tolerated"; PolyPhen-2: "Benign"; Align-GVGD: "Class C0". The cysteine amino acid residue is found in multiple mammalian species, which suggests that this missense change does not adversely affect protein function. In summary, the available evidence is currently insufficient to determine the role of this variant in disease. Therefore, it has been classified as a Variant of Uncertain Significance.

PreventionGenetics, part of Exact Sciences
Classification: Uncertain significance for PCNT-related condition. Last evaluated: 2024-04-18. Review status: no assertion criteria provided. Collection method: clinical testing. Allele origin: germline. Not counted in ClinVar's aggregate classification.
Comment: The PCNT c.2695C>T variant is predicted to result in the amino acid substitution p.Arg899Cys. To our knowledge, this variant has not been reported in the literature or in a large population database, indicating this variant is rare. At this time, the clinical significance of this variant is uncertain due to the absence of conclusive functional and genetic evidence.